The following is an entry in ClinVar:

NM_001200.4(BMP2):c.323C>T (p.Thr108Ile)

Gene: BMP2 (bone morphogenetic protein 2; plus strand). Cytogenetic location: 20p12.3.
Variant type: single nucleotide variant.
Coding change: c.323C>T on transcript NM_001200.4 (MANE Select); coding-DNA position 323, C replaced by T.
Protein change: p.Thr108Ile; replaces threonine 108 with isoleucine.
Molecular consequence: missense variant.
Genome position (GRCh38, 1-based): chr20:6,770,449, C>T. VCF-style: chr20-6770449-C-T. GRCh37 (hg19) VCF-style: chr20-6751096-C-T.
Other names: short protein forms T108I.
Identifiers: ClinVar variation 289861 (VCV000289861.9), dbSNP rs374592377, ClinGen allele CA9758644.
Genomic context (GRCh38, chr20:6,770,449, plus strand): 5'-GTCAGCCGGGCTCACCCGCCCCAGACCACCGGTTGGAGAGGGCAGCCAGCCGAGCCAACA[C>T]TGTGCGCAGCTTCCACCATGAAGGTGAGGCATGGAGCAGGGCGTGGGGGCGGGGAGTCAC-3'
Protein context (NP_001191.1, residues 98-118): RLERAASRAN[Thr108Ile]VRSFHHEESL

ClinVar aggregate classification (germline): Uncertain significance. Review status: criteria provided, multiple submitters, no conflicts (2 of 4 stars). 2 submissions from 2 submitters: Uncertain significance (2). Last evaluated 2022-09-20.

Allele frequency attached by ClinVar (database versions not stated): gnomAD 0.00003; TOPMed 0.00003; ExAC 0.00004; gnomAD exomes 0.00005.
gnomAD v4.1: 159 of 1,599,782 alleles (0.0099%); highest among the groups gnomAD compares: Non-Finnish European, 0.013%; no homozygotes.

Submissions (2):

Labcorp Genetics (formerly Invitae), Labcorp
Classification: Uncertain significance. Last evaluated: 2022-09-20. Review status: criteria provided, single submitter. Criteria: Invitae Variant Classification Sherloc (09022015). Collection method: clinical testing. Allele origin: germline.
Comment: This sequence change replaces threonine, which is neutral and polar, with isoleucine, which is neutral and non-polar, at codon 108 of the BMP2 protein (p.Thr108Ile). In summary, the available evidence is currently insufficient to determine the role of this variant in disease. Therefore, it has been classified as a Variant of Uncertain Significance. Algorithms developed to predict the effect of missense changes on protein structure and function are either unavailable or do not agree on the potential impact of this missense change (SIFT: "Not Available"; PolyPhen-2: "Possibly Damaging"; Align-GVGD: "Not Available"). ClinVar contains an entry for this variant (Variation ID: 289861). This variant has not been reported in the literature in individuals affected with BMP2-related conditions. This variant is present in population databases (rs374592377, gnomAD 0.01%).

Eurofins Ntd Llc (ga)
Classification: Uncertain significance. Last evaluated: 2016-08-31. Review status: criteria provided, single submitter. Criteria: EGL Classification Definitions 2015. Collection method: clinical testing. Allele origin: germline. Observed: 1 variant allele, 1 heterozygote.